The following is an entry in ClinVar:

ClinVar aggregate classification (germline): Uncertain significance (1 of 4 stars; one submission).

Allele frequency attached by ClinVar (database versions not stated): gnomAD 0.00002; TOPMed 0.00002.
gnomAD v4.1: 26 of 1,563,396 alleles (0.0017%); highest among the groups gnomAD compares: Admixed American, 0.0038%; no homozygotes.

Submission:

Labcorp Genetics (formerly Invitae), Labcorp
Classification: Uncertain significance. Last evaluated: 2025-10-14. Review status: criteria provided, single submitter. Criteria: Invitae Variant Classification Sherloc (09022015). Collection method: clinical testing. Allele origin: germline.
Comment: This sequence change replaces arginine, which is basic and polar, with glutamine, which is neutral and polar, at codon 945 of the ZNF687 protein (p.Arg945Gln). This variant is not present in population databases (gnomAD no frequency). This variant has not been reported in the literature in individuals affected with ZNF687-related conditions. ClinVar contains an entry for this variant (Variation ID: 1982587). An algorithm developed to predict the effect of missense changes on protein structure and function (PolyPhen-2) suggests that this variant is likely to be tolerated. In summary, the available evidence is currently insufficient to determine the role of this variant in disease. Therefore, it has been classified as a Variant of Uncertain Significance.

NM_020832.3(ZNF687):c.2834G>A (p.Arg945Gln)

Gene: ZNF687 (zinc finger protein 687; plus strand). Cytogenetic location: 1q21.3.
Variant type: single nucleotide variant.
Coding change: c.2834G>A on transcript NM_020832.3 (MANE Select); coding-DNA position 2834, G replaced by A.
Protein change: p.Arg945Gln; replaces arginine 945 with glutamine.
Molecular consequence: missense variant.
Genome position (GRCh38, 1-based): chr1:151,289,877, G>A. VCF-style: chr1-151289877-G-A. GRCh37 (hg19) VCF-style: chr1-151262353-G-A.
Other names: c.2834G>A, p.Arg945Gln (NM_001304763.2, NM_001304764.2); short protein forms R945Q.
Identifiers: ClinVar variation 1982587 (VCV001982587.4), dbSNP rs907781060, ClinGen allele CA29523100.
Genomic context (GRCh38, chr1:151,289,877, plus strand): 5'-CTTCAGAAGAGGAGGAAGTACCCAGCTCCCCTGAGCCCCCCCGTCCAGCCAAACGGCCTC[G>A]GCGGGAACTAGGGAGCAAAGGCCTCAAGGGTGGGGGTGGGGGGCCTGGAGGCTGGACCTG-3'
Protein context (NP_065883.1, residues 935-955): PEPPRPAKRP[Arg945Gln]RELGSKGLKG